The following is an entry in ClinVar:

NM_004360.5(CDH1):c.1950C>T (p.Ile650=)

Gene: CDH1 (cadherin 1; plus strand). Cytogenetic location: 16q22.1.
Variant type: single nucleotide variant.
Coding change: c.1950C>T on transcript NM_004360.5 (MANE Select); coding-DNA position 1950, C replaced by T.
Protein change: p.Ile650=; no amino-acid change (isoleucine 650 retained).
Molecular consequence: synonymous variant. On other transcripts: 5 prime UTR variant (1).
Genome position (GRCh38, 1-based): chr16:68,823,412, C>T. VCF-style: chr16-68823412-C-T. GRCh37 (hg19) VCF-style: chr16-68857315-C-T.
Other names: c.1950C>T (LRG_301t1, NM_004360.4); c.1767C>T, p.Ile589= (NM_001317184.2); c.402C>T, p.Ile134= (NM_001317185.2); c.-16C>T (NM_001317186.2).
Identifiers: ClinVar variation 185620 (VCV000185620.19), dbSNP rs786202320, ClinGen allele CA192435.

ClinVar aggregate classification (germline): Benign/Likely benign. Review status: criteria provided, multiple submitters, no conflicts (2 of 4 stars). 5 submissions from 5 submitters: Benign (1); Likely benign (4). Last evaluated 2026-01-17.

Conditions:
Familial cancer of breast. Also called: BREAST CANCER, FAMILIAL; hereditary breast carcinoma; Hereditary breast cancer. Identifiers: Orphanet 227535, MedGen C0346153, MONDO:0016419, OMIM 114480. Disease mechanism: loss of function.
Ovarian cancer. Also called: OVARIAN CANCER, SOMATIC. Identifiers: Orphanet 213500, MedGen C1140680, MONDO:0008170, OMIM 167000.
Hereditary cancer-predisposing syndrome. Also called: Tumor predisposition; Hereditary Cancer Syndrome; Hereditary neoplastic syndrome; Neoplastic Syndromes, Hereditary. Identifiers: Orphanet 140162, MedGen C0027672, MeSH D009386, MONDO:0015356.
Hereditary diffuse gastric adenocarcinoma (HDGC). Also called: DIFFUSE GASTRIC AND LOBULAR BREAST CANCER SYNDROME. Identifiers: Orphanet 26106, MedGen C1708349, MONDO:0007648, OMIM 137215.

Submissions (5):

Labcorp Genetics (formerly Invitae), Labcorp
Classification: Likely benign for Hereditary diffuse gastric adenocarcinoma. Last evaluated: 2026-01-17. Review status: criteria provided, single submitter. Criteria: Invitae Variant Classification Sherloc (09022015). Collection method: clinical testing. Allele origin: germline.

Myriad Genetics, Inc.
Classification: Benign for Hereditary diffuse gastric adenocarcinoma. Last evaluated: 2024-09-20. Review status: criteria provided, single submitter. Criteria: Myriad Autosomal Dominant, Autosomal Recessive and X-Linked Classification Criteria (2023). Collection method: clinical testing. Allele origin: unknown.
Comment: This variant is considered benign. This variant is a silent/synonymous amino acid change and it is not expected to impact splicing.

Color Diagnostics, LLC DBA Color Health
Classification: Likely benign for Hereditary cancer-predisposing syndrome. Last evaluated: 2024-01-17. Review status: criteria provided, single submitter. Criteria: ACMG Guidelines, 2015. Collection method: clinical testing. Allele origin: germline.

Department of Pathology and Laboratory Medicine, Sinai Health System
Classification: Likely benign for Familial cancer of breast; Ovarian cancer. Last evaluated: 2022-03-07. Review status: criteria provided, single submitter. Criteria: ACMG Guidelines, 2015. Collection method: clinical testing. Allele origin: germline. Affected: yes.

Ambry Genetics
Classification: Likely benign for Hereditary cancer-predisposing syndrome. Last evaluated: 2014-07-23. Review status: criteria provided, single submitter. Criteria: Ambry Variant Classification Scheme 2023. Collection method: clinical testing. Allele origin: germline.